The following is an entry in ClinVar:

ClinVar aggregate classification (germline): Uncertain significance (1 of 4 stars; one submission).

Conditions:
Werner syndrome (WRN). Identifiers: Orphanet 902, MedGen C0043119, MONDO:0010196, OMIM 277700.

Submission:

Labcorp Genetics (formerly Invitae), Labcorp
Classification: Uncertain significance for Werner syndrome. Last evaluated: 2022-06-15. Review status: criteria provided, single submitter. Criteria: Invitae Variant Classification Sherloc (09022015). Collection method: clinical testing. Allele origin: germline.
Comment: In summary, the available evidence is currently insufficient to determine the role of this variant in disease. Therefore, it has been classified as a Variant of Uncertain Significance. Algorithms developed to predict the effect of missense changes on protein structure and function are either unavailable or do not agree on the potential impact of this missense change (SIFT: "Not Available"; PolyPhen-2: "Possibly Damaging"; Align-GVGD: "Not Available"). This variant has not been reported in the literature in individuals affected with WRN-related conditions. This variant is not present in population databases (gnomAD no frequency). This sequence change replaces serine, which is neutral and polar, with tyrosine, which is neutral and polar, at codon 282 of the WRN protein (p.Ser282Tyr).

NM_000553.6(WRN):c.845C>A (p.Ser282Tyr)

Gene: WRN (WRN RecQ like helicase; plus strand). Cytogenetic location: 8p12.
Variant type: single nucleotide variant.
Coding change: c.845C>A on transcript NM_000553.6 (MANE Select); coding-DNA position 845, C replaced by A.
Protein change: p.Ser282Tyr; replaces serine 282 with tyrosine.
Molecular consequence: missense variant.
Genome position (GRCh38, 1-based): chr8:31,080,872, C>A. VCF-style: chr8-31080872-C-A. GRCh37 (hg19) VCF-style: chr8-30938388-C-A.
Other names: short protein forms S282Y.
Identifiers: ClinVar variation 2006844 (VCV002006844.4), dbSNP rs1310084233, ClinGen allele CA370919600.